The following is an entry in ClinVar:

NM_004385.5(VCAN):c.1011del (p.Asp338fs)

Gene: VCAN (versican; plus strand). Cytogenetic location: 5q14.3.
Variant type: Deletion.
Coding change: c.1011del on transcript NM_004385.5 (MANE Select); coding-DNA position 1011, one base deleted (T; older notation c.1011delT).
Protein change: p.Asp338fs; shifts the reading frame from aspartic acid 338.
Molecular consequence: frameshift variant.
Genome position (GRCh38, 1-based): chr5:83,512,365, T deleted. VCF-style (leftmost placement, unchanged base first): chr5-83512364-CT-C. GRCh37 (hg19) VCF-style: chr5-82808183-CT-C.
Other names: c.1011del, p.Asp338fs (NM_001126336.3, NM_001164097.2, NM_001164098.2); short protein forms D338fs.
Identifiers: ClinVar variation 4814165 (VCV004814165.1).

ClinVar aggregate classification (germline): Likely pathogenic (1 of 4 stars; one submission).

Conditions:
Wagner disease. Also called: WAGNER SYNDROME 1; HYALOIDEORETINAL DEGENERATION OF WAGNER; WAGNER VITREORETINAL DEGENERATION; Wagner syndrome; WAGNER VITREORETINOPATHY; Wagner Vitreoretinal Degeneration (Wagner Synrdome). Identifiers: Orphanet 898, MedGen C1840452, MONDO:0007740, OMIM 143200.

Submission:

OLLIN Analises Genomicas, OLLIN
Classification: Likely pathogenic for Wagner disease. Last evaluated: 2025-04-17. Review status: criteria provided, single submitter. Criteria: ACMG Guidelines 2015 PMID 25741868. Collection method: clinical testing. Allele origin: germline. Affected: yes. Observed: 1 variant allele.
Comment: The frameshift variant (chr5:83512364CT>C), located in exon 6 (of 15) and absent in ClinVar, gnomAD v4.1 non-UKB, and the scientific literature. This variant promotes a change in the reading frame with subsequent introduction of a premature stop codon, resulting in a truncated protein or mRNA degradation via nonsense-mediated decay (NMD). According to currently available evidence, this variant has been classified as likely pathogenic (PVS1, PM2_P).